The following is an entry in ClinVar:

NM_024296.5(CCDC28B):c.281G>A (p.Gly94Glu)

Gene: CCDC28B (coiled-coil domain containing 28B; plus strand). Cytogenetic location: 1p35.2.
Variant type: single nucleotide variant.
Coding change: c.281G>A on transcript NM_024296.5 (MANE Select); coding-DNA position 281, G replaced by A.
Protein change: p.Gly94Glu; replaces glycine 94 with glutamic acid.
Molecular consequence: missense variant.
Genome position (GRCh38, 1-based): chr1:32,203,995, G>A. VCF-style: chr1-32203995-G-A. GRCh37 (hg19) VCF-style: chr1-32669596-G-A.
Other names: c.281G>A, p.Gly94Glu (NM_001301011.2); short protein forms G94E.
Identifiers: ClinVar variation 373579 (VCV000373579.2), dbSNP rs200163249, ClinGen allele CA739189.

ClinVar aggregate classification (germline): Uncertain significance (1 of 4 stars; one submission).

Allele frequency attached by ClinVar (database versions not stated): TOPMed 0.00001.
gnomAD v4.1: 8 of 1,574,662 alleles (0.00051%); highest among the groups gnomAD compares: Admixed American, 0.0018%; no homozygotes.

Submission:

GeneDx
Classification: Uncertain significance. Last evaluated: 2016-11-28. Review status: criteria provided, single submitter. Criteria: GeneDx Variant Classification (06012015). Collection method: clinical testing. Allele origin: germline. Affected: yes.
Comment: The G94E variant in the CCDC28B gene has not been reported previously as a pathogenic variant, nor as a benign variant, to our knowledge. The G94E variant was not observed in approximately 6,500 individuals of European and African American ancestry in the NHLBI Exome Sequencing Project, indicating it is not a common benign variant in these populations. The G94E variant is a non-conservative amino acid substitution, which is likely to impact secondary protein structure as these residues differ in polarity, charge, size and/or other properties. This substitution occurs at a position that is conserved in mammals. In silico analysis predicts this variant is probably damaging to the protein structure/function. We interpret G94E as a variant of uncertain significance.